The following is an entry in ClinVar:

NM_000048.4(ASL):c.143dup (p.Leu49fs)

Gene: ASL (argininosuccinate lyase; plus strand). Cytogenetic location: 7q11.21.
Variant type: Duplication.
Coding change: c.143dup on transcript NM_000048.4 (MANE Select); coding-DNA position 143, one base duplicated (G; older notation c.143dupG).
Protein change: p.Leu49fs; shifts the reading frame from leucine 49.
Molecular consequence: frameshift variant.
Genome position (GRCh38, 1-based): chr7:66,081,933, G duplicated; the last of 4 consecutive G bases (chr7:66,081,930-66,081,933); duplicating any one gives the same sequence. VCF-style (leftmost placement, unchanged base first): chr7-66081929-A-AG. GRCh37 (hg19) VCF-style: chr7-65546916-A-AG.
Other names: c.143dup, p.Leu49fs (NM_001024943.2, NM_001024944.2, NM_001024946.2); short protein forms L49fs.
Identifiers: ClinVar variation 5011807 (VCV005011807.1).

ClinVar aggregate classification (germline): Pathogenic (1 of 4 stars; one submission).

Conditions:
Argininosuccinate lyase deficiency. Also called: ARGININOSUCCINIC ACID LYASE DEFICIENCY; ASL DEFICIENCY; Argininosuccinic aciduria. Identifiers: Orphanet 23, MedGen C0268547, MONDO:0008815, OMIM 207900, HP:0025630.

Submission:

Myriad Genetics, Inc.
Classification: Pathogenic for Argininosuccinate lyase deficiency. Last evaluated: 2023-09-27. Review status: criteria provided, single submitter. Criteria: Myriad Autosomal Dominant, Autosomal Recessive and X-Linked Classification Criteria (2023). Collection method: clinical testing. Allele origin: unknown.
Comment: NM_001024943.1(ASL):c.143dupG(L49Pfs*24) is expected to be pathogenic in the context of argininosuccinic aciduria. This variant is predicted to lead to an abnormal or absent protein product due to the creation of a premature termination codon in ASL, a gene where loss-of-function variants are known to be pathogenic. Please note: this variant was assessed in the context of healthy population screening.